The following is an entry in ClinVar:

NM_007055.4(POLR3A):c.871G>A (p.Asp291Asn)

Gene: POLR3A (RNA polymerase III subunit A; minus strand). Cytogenetic location: 10q22.3.
Variant type: single nucleotide variant.
Coding change: c.871G>A on transcript NM_007055.4 (MANE Select); coding-DNA position 871, G replaced by A.
Protein change: p.Asp291Asn; replaces aspartic acid 291 with asparagine.
Molecular consequence: missense variant.
Genome position (GRCh38, 1-based): chr10:78,022,159, C>T on the plus strand (G>A on the coding strand, the complement: POLR3A is on the minus strand). VCF-style: chr10-78022159-C-T. GRCh37 (hg19) VCF-style: chr10-79781917-C-T.
Other names: short protein forms D291N.
Identifiers: ClinVar variation 878417 (VCV000878417.9), dbSNP rs140717091, ClinGen allele CA5571598.

ClinVar aggregate classification (germline): Uncertain significance. Review status: criteria provided, multiple submitters, no conflicts (2 of 4 stars). 2 submissions from 2 submitters: Uncertain significance (2). Last evaluated 2024-02-24.

Conditions:
Leukodystrophy, hypomyelinating, 7, with or without oligodontia and/or hypogonadotropic hypogonadism (HLD7). Also called: LEUKOENCEPHALOPATHY, HYPOMYELINATING, WITH ATAXIA AND DELAYED DENTITION; ATAXIA, DELAYED DENTITION, AND HYPOMYELINATION; LEUKODYSTROPHY, HYPOMYELINATING, 7, WITH OLIGODONTIA; LEUKODYSTROPHY, HYPOMYELINATING, 7, WITH OLIGODONTIA AND HYPOGONADOTROPIC HYPOGONADISM; LEUKODYSTROPHY, HYPOMYELINATING, 7, WITHOUT OLIGODONTIA OR HYPOGONADOTROPIC HYPOGONADISM; Ataxia, Delayed Dentition and Hypomyelination (ADDH). Identifiers: Orphanet 137639, Orphanet 447893, Orphanet 447896, Orphanet 77295, Orphanet 88637, MedGen CN034185, MONDO:0011897, OMIM 607694.

Allele frequency attached by ClinVar (database versions not stated): ExAC 0.00001; gnomAD 0.00001; gnomAD exomes 0.00001; TOPMed 0.00001; ESP Exome Variant Server 0.00008.
gnomAD v4.1: 6 of 1,613,992 alleles (0.00037%); highest among the groups gnomAD compares: African/African-American, 0.004%; no homozygotes.

Submissions (2):

Labcorp Genetics (formerly Invitae), Labcorp
Classification: Uncertain significance. Last evaluated: 2024-02-24. Review status: criteria provided, single submitter. Criteria: Invitae Variant Classification Sherloc (09022015). Collection method: clinical testing. Allele origin: germline.
Comment: This sequence change replaces aspartic acid, which is acidic and polar, with asparagine, which is neutral and polar, at codon 291 of the POLR3A protein (p.Asp291Asn). This variant is present in population databases (rs140717091, gnomAD 0.01%). This variant has not been reported in the literature in individuals affected with POLR3A-related conditions. ClinVar contains an entry for this variant (Variation ID: 878417). Advanced modeling of protein sequence and biophysical properties (such as structural, functional, and spatial information, amino acid conservation, physicochemical variation, residue mobility, and thermodynamic stability) performed at Invitae indicates that this missense variant is not expected to disrupt POLR3A protein function with a negative predictive value of 80%. In summary, the available evidence is currently insufficient to determine the role of this variant in disease. Therefore, it has been classified as a Variant of Uncertain Significance.

Illumina Laboratory Services, Illumina
Classification: Uncertain significance for Leukodystrophy, hypomyelinating, 7, with or without oligodontia and/or hypogonadotropic hypogonadism. Last evaluated: 2018-01-13. Review status: criteria provided, single submitter. Criteria: ICSL Variant Classification Criteria 13 December 2019. Collection method: clinical testing. Allele origin: germline.